The following is an entry in ClinVar:

NM_001382567.1(STIM1):c.22G>A (p.Ala8Thr)

Gene: STIM1 (stromal interaction molecule 1; plus strand). Cytogenetic location: 11p15.4.
Variant type: single nucleotide variant.
Coding change: c.22G>A on transcript NM_001382567.1 (MANE Select); coding-DNA position 22, G replaced by A.
Protein change: p.Ala8Thr; replaces alanine 8 with threonine.
Molecular consequence: missense variant. On other transcripts: synonymous variant (1), 5 prime UTR variant (1), non-coding transcript variant (3), intron variant (10).
Genome position (GRCh38, 1-based): chr11:3,856,292, G>A. VCF-style: chr11-3856292-G-A. GRCh37 (hg19) VCF-style: chr11-3877522-G-A.
Other names: c.22G>A, p.Ala8Thr (NM_001277961.3, NM_001277962.2, NM_001382568.1 and 3 more transcripts); c.18G>A, p.Leu6= (NM_001382569.1); c.-216G>A (NM_001382571.1); c.-84+1556G>A (NM_001382578.1, NM_001382575.1, NM_001382574.1); c.-220+1556G>A (NM_001382580.1, NM_001382581.1); c.-84+1638G>A (NM_001382576.1); c.-84+876G>A (NM_001382566.1, NM_001382579.1, NM_001382577.1 and 1 more transcripts); c.22G>A (NM_001277961.1, NM_003156.3); short protein forms A8T.
Identifiers: ClinVar variation 1035654 (VCV001035654.11), dbSNP rs751520286, ClinGen allele CA5830106.

ClinVar aggregate classification (germline): Uncertain significance. Review status: criteria provided, multiple submitters, no conflicts (2 of 4 stars). 3 submissions from 3 submitters: Uncertain significance (3). Last evaluated 2024-08-11.

Conditions:
Stormorken syndrome (STRMK). Also called: THROMBOCYTOPATHY, ASPLENIA, AND MIOSIS. Identifiers: Orphanet 3204, MedGen C1861451, MONDO:0008497, OMIM 185070.
Myopathy with tubular aggregates (TAM). Also called: Tubular Aggregate Myopathy. Identifiers: Orphanet 2593, MedGen C0410207, MONDO:0008051.
Combined immunodeficiency due to STIM1 deficiency. Also called: IMMUNODEFICIENCY 10; STIM1 DEFICIENCY. Identifiers: Orphanet 169090, Orphanet 317430, MedGen C2748557, MONDO:0013008, OMIM 612783.
Immunodeficiency, common variable, 10. Also called: IMMUNODEFICIENCY, COMMON VARIABLE, WITH CENTRAL ADRENAL INSUFFICIENCY; DEFICIT IN ANTERIOR PITUITARY FUNCTION AND VARIABLE IMMUNODEFICIENCY. Identifiers: MedGen C3809991, MONDO:0014260, OMIM 615577.

Allele frequency attached by ClinVar (database versions not stated): gnomAD exomes below 0.00001 and 0.00001; TOPMed below 0.00001; ExAC 0.00001.
gnomAD v4.1: 2 of 1,614,166 alleles (0.00012%); highest among the groups gnomAD compares: South Asian, 0.0022%; no homozygotes.

Submissions (3):

Labcorp Genetics (formerly Invitae), Labcorp
Classification: Uncertain significance for Myopathy with tubular aggregates; Combined immunodeficiency due to STIM1 deficiency; Stormorken syndrome. Last evaluated: 2024-08-11. Review status: criteria provided, single submitter. Criteria: Invitae Variant Classification Sherloc (09022015). Collection method: clinical testing. Allele origin: germline.
Comment: This sequence change replaces alanine, which is neutral and non-polar, with threonine, which is neutral and polar, at codon 8 of the STIM1 protein (p.Ala8Thr). This variant is present in population databases (rs751520286, gnomAD 0.006%). This variant has not been reported in the literature in individuals affected with STIM1-related conditions. ClinVar contains an entry for this variant (Variation ID: 1035654). Advanced modeling of protein sequence and biophysical properties (such as structural, functional, and spatial information, amino acid conservation, physicochemical variation, residue mobility, and thermodynamic stability) has been performed at Invitae for this missense variant, however the output from this modeling did not meet the statistical confidence thresholds required to predict the impact of this variant on STIM1 protein function. In summary, the available evidence is currently insufficient to determine the role of this variant in disease. Therefore, it has been classified as a Variant of Uncertain Significance.

Revvity Omics, Revvity
Classification: Uncertain significance. Last evaluated: 2022-03-14. Review status: criteria provided, single submitter. Criteria: ACMG Guidelines, 2015. Collection method: clinical testing. Allele origin: germline.

Neuberg Centre For Genomic Medicine, NCGM
Classification: Uncertain significance for Immunodeficiency, common variable, 10. Review status: criteria provided, single submitter. Criteria: ACMG Guidelines, 2015. Collection method: clinical testing. Allele origin: germline. Inheritance: Autosomal recessive inheritance. Affected: yes.
Comment: The missense variant c.22G>A (p.Ala8Thr) in STIM1 gene has not been reported previously as a pathogenic variant nor as a benign variant, to our knowledge. This variant has been reported to the ClinVar database as Uncertain Significance. The p.Ala8Thr variant is novel (not in any individuals) in 1000 Genomes and allele frequency of 0.0007955% is reported in gnomAD. The amino acid Ala at position 8 is changed to a Thr changing protein sequence and it might alter its composition and physico-chemical properties. The variant is predicted to be damaging by PolyPhen2 and the residue is conserved across species. The amino acid change p.Ala8Thr in STIM1 is predicted as conserved by GERP++ and PhyloP across 100 vertebrates. For these reasons, this variant has been classified as uncertain significance .